The following is an entry in ClinVar:

NM_000545.8(HNF1A):c.779C>G (p.Thr260Arg)

Gene: HNF1A (HNF1 homeobox A; plus strand). Cytogenetic location: 12q24.31.
Variant type: single nucleotide variant.
Coding change: c.779C>G on transcript NM_000545.8 (MANE Select); coding-DNA position 779, C replaced by G.
Protein change: p.Thr260Arg; replaces threonine 260 with arginine.
Molecular consequence: missense variant.
Genome position (GRCh38, 1-based): chr12:120,994,229, C>G. VCF-style: chr12-120994229-C-G. GRCh37 (hg19) VCF-style: chr12-121432032-C-G.
Other names: NM_001306179.2:c.779C>G; c.779C>G, p.Thr260Arg (NM_001306179.2, NM_001406915.1); short protein forms T260R.
Identifiers: ClinVar variation 2581120 (VCV002581120.1), dbSNP rs886039544, ClinGen allele CA386966083.

ClinVar aggregate classification (germline): Likely pathogenic (3 of 4 stars; one submission).

Conditions:
Monogenic diabetes. Identifiers: Orphanet 183625, MedGen C3888631, MONDO:0015967.

Submission:

ClinGen Monogenic Diabetes Variant Curation Expert Panel
Classification: Likely pathogenic for Monogenic diabetes. Last evaluated: 2023-09-19. Review status: reviewed by expert panel. Criteria: ClinGen Diabetes ACMG Specifications HNF1A V2.1.0. Collection method: curation. Allele origin: germline. Inheritance: Autosomal dominant inheritance.
Comment: The c.779C>G variant in the HNF1 homeobox A gene, HNF1A, causes an amino acid change of threonine to arginine at codon 260 (p.(Thr260Arg)) of NM_000545.8. This variant is predicted to be deleterious by computational evidence, with a REVEL score of 0.943, which is greater than the MDEP VCEP threshold of 0.70 (PP3). This variant is located within a conserved region of the DNA binding domain (codons 107-174 and 201-280) of HNF1A, which is defined as critical for the protein’s function by the ClinGen MDEP (PM1_Supporting). This variant is absent from gnomAD v2.1.1 (PM2_Supporting). This variant was identified in an individual with a clinical history highly specific for HNF1A-MODY (MODY probability calculator result >50%, negative genetic testing for HNF4A, and negative antibodies) (PP4_Moderate; internal lab contributors). Another missense variant, c.779C>T p.Thr260Met, has been classified as pathogenic by the ClinGen MDEP but has a greater Grantham distance than p.Thr260Arg (PM5_Supporting). In summary, c.779C>G p.Thr260Arg meets the criteria to be classified as likely pathogenic for monogenic diabetes. ACMG/AMP criteria applied, as specified by the ClinGen MDEP (specification version 2.1.0, approved 8/11/2023): PP4_Moderate, PP3, PM1_Supporting, PM2_Supporting, PM5_Supporting.